The following is an entry in ClinVar:

ClinVar aggregate classification (germline): Likely benign (1 of 4 stars; one submission).

Submission:

CeGaT Center for Human Genetics Tuebingen
Classification: Likely benign. Last evaluated: 2025-08-01. Review status: criteria provided, single submitter. Criteria: CeGaT Center For Human Genetics Tuebingen Variant Classification Criteria Version 2. Collection method: clinical testing. Allele origin: germline. Affected: yes. Observed: 1 variant allele.
Comment: SUFU: PM2:Supporting, BP4, BP7

NM_016169.4(SUFU):c.1065C>T (p.Ile355=)

Gene: SUFU (SUFU negative regulator of hedgehog signaling; plus strand). Cytogenetic location: 10q24.32.
Variant type: single nucleotide variant.
Coding change: c.1065C>T on transcript NM_016169.4 (MANE Select); coding-DNA position 1065, C replaced by T.
Protein change: p.Ile355=; no amino-acid change (isoleucine 355 retained).
Molecular consequence: synonymous variant.
Genome position (GRCh38, 1-based): chr10:102,615,310, C>T. VCF-style: chr10-102615310-C-T. GRCh37 (hg19) VCF-style: chr10-104375067-C-T.
Other names: c.1065C>T, p.Ile355= (NM_001178133.2).
Identifiers: ClinVar variation 4085740 (VCV004085740.8).